The following is an entry in ClinVar:

ClinVar aggregate classification (germline): Uncertain significance. Review status: criteria provided, multiple submitters, no conflicts (2 of 4 stars). 2 submissions from 2 submitters: Uncertain significance (2). Last evaluated 2025-04-07.

Conditions:
Congenital myasthenic syndrome 8. Also called: MYASTHENIC SYNDROME, CONGENITAL, DUE TO AGRIN DEFICIENCY; Myasthenic syndrome, congenital, 8, with pre- and postsynaptic defects. Identifiers: Orphanet 590, MedGen C3808739, MONDO:0014052, OMIM 615120.
Inborn genetic diseases. Identifiers: MedGen C0950123, MeSH D030342.

Allele frequency attached by ClinVar (database versions not stated): gnomAD exomes below 0.00001 and 0.00002; gnomAD 0.00008; ExAC 0.00002; TOPMed 0.00006.
gnomAD v4.1: 35 of 1,610,576 alleles (0.0022%); highest among the groups gnomAD compares: East Asian, 0.013%; 1 homozygote.

Submissions (2):

Labcorp Genetics (formerly Invitae), Labcorp
Classification: Uncertain significance for Congenital myasthenic syndrome 8. Last evaluated: 2025-04-07. Review status: criteria provided, single submitter. Criteria: Invitae Variant Classification Sherloc (09022015). Collection method: clinical testing. Allele origin: germline.
Comment: This sequence change replaces tyrosine, which is neutral and polar, with cysteine, which is neutral and slightly polar, at codon 1918 of the AGRN protein (p.Tyr1918Cys). This variant is present in population databases (rs779519955, gnomAD 0.03%). This variant has not been reported in the literature in individuals affected with AGRN-related conditions. ClinVar contains an entry for this variant (Variation ID: 656422). An algorithm developed to predict the effect of missense changes on protein structure and function (PolyPhen-2) suggests that this variant is likely to be disruptive. In summary, the available evidence is currently insufficient to determine the role of this variant in disease. Therefore, it has been classified as a Variant of Uncertain Significance.

Ambry Genetics
Classification: Uncertain significance for Inborn genetic diseases. Last evaluated: 2021-07-26. Review status: criteria provided, single submitter. Criteria: Ambry Variant Classification Scheme 2023. Collection method: clinical testing. Allele origin: germline.

NM_198576.4(AGRN):c.5753A>G (p.Tyr1918Cys)

Gene: AGRN (agrin; plus strand). Cytogenetic location: 1p36.33.
Variant type: single nucleotide variant.
Coding change: c.5753A>G on transcript NM_198576.4 (MANE Select); coding-DNA position 5753, A replaced by G.
Protein change: p.Tyr1918Cys; replaces tyrosine 1918 with cysteine.
Molecular consequence: missense variant.
Genome position (GRCh38, 1-based): chr1:1,053,854, A>G. VCF-style: chr1-1053854-A-G. GRCh37 (hg19) VCF-style: chr1-989234-A-G.
Other names: c.5822A>G, p.Tyr1941Cys (NM_001305275.2); c.5450A>G, p.Tyr1817Cys (NM_001364727.2); short protein forms Y1941C, Y1817C, Y1918C.
Identifiers: ClinVar variation 656422 (VCV000656422.10), dbSNP rs779519955, ClinGen allele CA510222.
Genomic context (GRCh38, chr1:1,053,854, plus strand): 5'-GCACTGAGGCCACGCAGGGGCTGGTGCTCTGGAGTGGCAAGGCCACGGAGCGGGCAGACT[A>G]TGTGGCACTGGCCATTGTGGACGGGCACCTGCAACTGAGCTACAACCTGGGCTCCCAGCC-3'
Protein context (NP_940978.2, residues 1908-1928): WSGKATERAD[Tyr1918Cys]VALAIVDGHL